The following is an entry in ClinVar:

ClinVar aggregate classification (germline): Uncertain significance (1 of 4 stars; one submission).

Conditions:
Megaconial type congenital muscular dystrophy (MDCMC). Also called: CHKB-Related Muscle Diseases; CHKB-Related Muscular Dystrophy; MUSCULAR DYSTROPHY, CONGENITAL, WITH MITOCHONDRIAL STRUCTURAL ABNORMALITIES. Identifiers: Orphanet 280671, MedGen C1865233, MONDO:0011246, OMIM 602541.

Allele frequency attached by ClinVar (database versions not stated): gnomAD exomes below 0.00001; TOPMed below 0.00001; gnomAD 0.00001.

Submission:

Labcorp Genetics (formerly Invitae), Labcorp
Classification: Uncertain significance for Megaconial type congenital muscular dystrophy. Last evaluated: 2022-06-25. Review status: criteria provided, single submitter. Criteria: Invitae Variant Classification Sherloc (09022015). Collection method: clinical testing. Allele origin: germline.
Comment: This sequence change replaces threonine, which is neutral and polar, with isoleucine, which is neutral and non-polar, at codon 6 of the CHKB protein (p.Thr6Ile). This variant is not present in population databases (gnomAD no frequency). This variant has not been reported in the literature in individuals affected with CHKB-related conditions. ClinVar contains an entry for this variant (Variation ID: 536362). Algorithms developed to predict the effect of missense changes on protein structure and function are either unavailable or do not agree on the potential impact of this missense change (SIFT: "Tolerated"; PolyPhen-2: "Not Available"; Align-GVGD: "Class C0"). In summary, the available evidence is currently insufficient to determine the role of this variant in disease. Therefore, it has been classified as a Variant of Uncertain Significance.

NM_005198.5(CHKB):c.17C>T (p.Thr6Ile)

Genes: CHKB (choline kinase beta; minus strand), CHKB-CPT1B (CHKB-CPT1B readthrough (NMD candidate); minus strand). Cytogenetic location: 22q13.33.
Variant type: single nucleotide variant.
Coding change: c.17C>T on transcript NM_005198.5 (MANE Select); coding-DNA position 17, C replaced by T.
Protein change: p.Thr6Ile; replaces threonine 6 with isoleucine.
Molecular consequence: missense variant. On other transcripts: non-coding transcript variant (1).
Genome position (GRCh38, 1-based): chr22:50,582,765, G>A on the plus strand (C>T on the coding strand, the complement: CHKB is on the minus strand). VCF-style: chr22-50582765-G-A. GRCh37 (hg19) VCF-style: chr22-51021194-G-A.
Other names: short protein forms T6I.
Identifiers: ClinVar variation 536362 (VCV000536362.8), dbSNP rs1555894924, ClinGen allele CA412204256.